The following is an entry in ClinVar:

NM_001042492.3(NF1):c.745C>G (p.Leu249Val)

Gene: NF1 (neurofibromin 1; plus strand). Cytogenetic location: 17q11.2.
Variant type: single nucleotide variant.
Coding change: c.745C>G on transcript NM_001042492.3 (MANE Select); coding-DNA position 745, C replaced by G.
Protein change: p.Leu249Val; replaces leucine 249 with valine.
Molecular consequence: missense variant.
Genome position (GRCh38, 1-based): chr17:31,182,522, C>G. VCF-style: chr17-31182522-C-G. GRCh37 (hg19) VCF-style: chr17-29509540-C-G.
Other names: c.745C>G, p.Leu249Val (NM_000267.4, NM_001128147.3); short protein forms L249V.
Identifiers: ClinVar variation 1449493 (VCV001449493.9), dbSNP rs2143785034, ClinGen allele CA398990560.

ClinVar aggregate classification (germline): Uncertain significance. Review status: criteria provided, multiple submitters, no conflicts (2 of 4 stars). 2 submissions from 2 submitters: Uncertain significance (2). Last evaluated 2025-08-06.

Conditions:
Hereditary cancer-predisposing syndrome. Also called: Tumor predisposition; Hereditary neoplastic syndrome; Hereditary Cancer Syndrome; Neoplastic Syndromes, Hereditary. Identifiers: Orphanet 140162, MedGen C0027672, MeSH D009386, MONDO:0015356.
Cardiovascular phenotype. Identifiers: MedGen CN230736.
Neurofibromatosis, type 1 (NF1). Also called: NEUROFIBROMATOSIS, TYPE I, SOMATIC; VON RECKLINGHAUSEN DISEASE; Peripheral type neurofibromatosis; Neurofibromatosis, type I. Identifiers: Orphanet 636, MedGen C0027831, MONDO:0018975, OMIM 162200. Disease mechanism: loss of function.

Allele frequency attached by ClinVar (database versions not stated): gnomAD exomes below 0.00001.
gnomAD v4.1: 2 of 1,613,986 alleles (0.00012%); highest among the groups gnomAD compares: Non-Finnish European, 0.00017%; no homozygotes.

Submissions (2):

Ambry Genetics
Classification: Uncertain significance for Cardiovascular phenotype; Hereditary cancer-predisposing syndrome. Last evaluated: 2025-08-06. Review status: criteria provided, single submitter. Criteria: Ambry Variant Classification Scheme 2023. Collection method: clinical testing. Allele origin: germline.
Comment: The p.L249V variant (also known as c.745C>G), located in coding exon 8 of the NF1 gene, results from a C to G substitution at nucleotide position 745. The leucine at codon 249 is replaced by valine, an amino acid with highly similar properties. This amino acid position is highly conserved in available vertebrate species. In addition, the in silico prediction for this alteration is inconclusive. Based on the available evidence, the clinical significance of this variant remains unclear.

Labcorp Genetics (formerly Invitae), Labcorp
Classification: Uncertain significance for Neurofibromatosis, type 1. Last evaluated: 2022-04-01. Review status: criteria provided, single submitter. Criteria: Invitae Variant Classification Sherloc (09022015). Collection method: clinical testing. Allele origin: germline.
Comment: In summary, the available evidence is currently insufficient to determine the role of this variant in disease. Therefore, it has been classified as a Variant of Uncertain Significance. This variant disrupts the p.Leu249 amino acid residue in NF1. Other variant(s) that disrupt this residue have been determined to be pathogenic (PMID: 26056819; Invitae). This suggests that this residue is clinically significant, and that variants that disrupt this residue are likely to be disease-causing. Algorithms developed to predict the effect of sequence changes on RNA splicing suggest that this variant may create or strengthen a splice site. Advanced modeling of protein sequence and biophysical properties (such as structural, functional, and spatial information, amino acid conservation, physicochemical variation, residue mobility, and thermodynamic stability) performed at Invitae indicates that this missense variant is not expected to disrupt NF1 protein function. This variant has not been reported in the literature in individuals affected with NF1-related conditions. This variant is not present in population databases (gnomAD no frequency). This sequence change replaces leucine, which is neutral and non-polar, with valine, which is neutral and non-polar, at codon 249 of the NF1 protein (p.Leu249Val).

Literature cited by the submitters: PubMed 26056819 (cited by Labcorp Genetics (formerly Invitae), Labcorp).